The following is an entry in ClinVar:

ClinVar aggregate classification (germline): Uncertain significance (1 of 4 stars; one submission).

Submission:

Labcorp Genetics (formerly Invitae), Labcorp
Classification: Uncertain significance. Last evaluated: 2024-06-12. Review status: criteria provided, single submitter. Criteria: Invitae Variant Classification Sherloc (09022015). Collection method: clinical testing. Allele origin: germline.
Comment: This sequence change replaces asparagine, which is neutral and polar, with serine, which is neutral and polar, at codon 193 of the RAB11A protein (p.Asn193Ser). This variant is not present in population databases (gnomAD no frequency). This variant has not been reported in the literature in individuals affected with RAB11A-related conditions. An algorithm developed to predict the effect of missense changes on protein structure and function (PolyPhen-2) suggests that this variant is likely to be tolerated. In summary, the available evidence is currently insufficient to determine the role of this variant in disease. Therefore, it has been classified as a Variant of Uncertain Significance.

NM_004663.5(RAB11A):c.578A>G (p.Asn193Ser)

Gene: RAB11A (RAB11A, member RAS oncogene family; plus strand). Cytogenetic location: 15q22.31.
Variant type: single nucleotide variant.
Coding change: c.578A>G on transcript NM_004663.5 (MANE Select); coding-DNA position 578, A replaced by G.
Protein change: p.Asn193Ser; replaces asparagine 193 with serine.
Molecular consequence: missense variant. On other transcripts: 3 prime UTR variant (1).
Genome position (GRCh38, 1-based): chr15:65,887,767, A>G. VCF-style: chr15-65887767-A-G. GRCh37 (hg19) VCF-style: chr15-66180105-A-G.
Other names: c.*15A>G (NM_001206836.2); short protein forms N193S.
Identifiers: ClinVar variation 3667821 (VCV003667821.2).
Genomic context (GRCh38, chr15:65,887,767, plus strand): 5'-ACCGCATTGTTTCTCAGAAGCAAATGTCAGACAGACGCGAAAATGACATGTCTCCAAGCA[A>G]CAATGTGGTTCCTATTCATGTTCCACCAACCACTGAAAACAAGCCAAAGGTGCAGTGCTG-3'
Protein context (NP_004654.1, residues 183-203): DRRENDMSPS[Asn193Ser]NVVPIHVPPT